The following is an entry in ClinVar:

NM_000465.4(BARD1):c.1677+5G>C

Gene: BARD1 (BRCA1 associated RING domain 1; minus strand). Cytogenetic location: 2q35.
Variant type: single nucleotide variant.
Coding change: c.1677+5G>C on transcript NM_000465.4 (MANE Select); 5 bases into the intron after coding-DNA position 1677, G replaced by C.
Molecular consequence: intron variant.
Genome position (GRCh38, 1-based): chr2:214,752,442, C>G on the plus strand (G>C on the coding strand, the complement: BARD1 is on the minus strand). VCF-style: chr2-214752442-C-G. GRCh37 (hg19) VCF-style: chr2-215617166-C-G.
Other names: c.267+5G>C (NM_001282548.2); c.1620+5G>C (NM_001282543.2); c.324+5G>C (NM_001282545.2); c.365-21934G>C (NM_001282549.2).
Identifiers: ClinVar variation 1777803 (VCV001777803.7), dbSNP rs587780019, ClinGen allele CA2580065581.

ClinVar aggregate classification (germline): Uncertain significance. Review status: criteria provided, multiple submitters, no conflicts (2 of 4 stars). 2 submissions from 2 submitters: Uncertain significance (2). Last evaluated 2022-02-21.

Conditions:
Hereditary cancer-predisposing syndrome. Also called: Neoplastic Syndromes, Hereditary; Tumor predisposition; Hereditary Cancer Syndrome; Hereditary neoplastic syndrome. Identifiers: Orphanet 140162, MedGen C0027672, MeSH D009386, MONDO:0015356.
Familial cancer of breast. Also called: BREAST CANCER, FAMILIAL; Hereditary breast cancer; hereditary breast carcinoma. Identifiers: Orphanet 227535, MedGen C0346153, MONDO:0016419, OMIM 114480. Disease mechanism: loss of function.

gnomAD v4.1: 1 of 1,598,350 alleles (0.000063%); highest among the groups gnomAD compares: Non-Finnish European, 0.000086%; no homozygotes.

Submissions (2):

Labcorp Genetics (formerly Invitae), Labcorp
Classification: Uncertain significance for Familial cancer of breast. Last evaluated: 2022-02-21. Review status: criteria provided, single submitter. Criteria: Invitae Variant Classification Sherloc (09022015). Collection method: clinical testing. Allele origin: germline.
Comment: This sequence change falls in intron 7 of the BARD1 gene. It does not directly change the encoded amino acid sequence of the BARD1 protein. It affects a nucleotide within the consensus splice site. This variant is not present in population databases (gnomAD no frequency). This variant has not been reported in the literature in individuals affected with BARD1-related conditions. Variants that disrupt the consensus splice site are a relatively common cause of aberrant splicing (PMID: 17576681, 9536098). Algorithms developed to predict the effect of sequence changes on RNA splicing suggest that this variant may disrupt the consensus splice site. In summary, the available evidence is currently insufficient to determine the role of this variant in disease. Therefore, it has been classified as a Variant of Uncertain Significance.

Ambry Genetics
Classification: Uncertain significance for Hereditary cancer-predisposing syndrome. Last evaluated: 2020-07-16. Review status: criteria provided, single submitter. Criteria: Ambry Variant Classification Scheme 2023. Collection method: clinical testing. Allele origin: germline.
Comment: The c.1677+5G>C intronic variant results from a G to C substitution 5 nucleotides after coding exon 7 in the BARD1 gene. This nucleotide position is highly conserved in available vertebrate species. In silico splice site analysis predicts that this alteration will weaken the native splice donor site. Since supporting evidence is limited at this time, the clinical significance of this alteration remains unclear.

Literature cited by the submitters: PubMed 17576681 (cited by Labcorp Genetics (formerly Invitae), Labcorp); PubMed 9536098 (cited by Labcorp Genetics (formerly Invitae), Labcorp).